The following is an entry in ClinVar:

NM_194248.3(OTOF):c.4850C>G (p.Thr1617Ser)

Gene: OTOF (otoferlin; minus strand). Cytogenetic location: 2p23.3.
Variant type: single nucleotide variant.
Coding change: c.4850C>G on transcript NM_194248.3 (MANE Select); coding-DNA position 4850, C replaced by G.
Protein change: p.Thr1617Ser; replaces threonine 1617 with serine.
Molecular consequence: missense variant.
Genome position (GRCh38, 1-based): chr2:26,464,979, G>C on the plus strand (C>G on the coding strand, the complement: OTOF is on the minus strand). VCF-style: chr2-26464979-G-C. GRCh37 (hg19) VCF-style: chr2-26687847-G-C.
Other names: c.4850C>G, p.Thr1617Ser (NM_001287489.2); c.2549C>G, p.Thr850Ser (NM_004802.4, NM_194323.3); c.2780C>G, p.Thr927Ser (NM_194322.3); short protein forms T1617S, T850S, T927S.
Identifiers: ClinVar variation 4879923 (VCV004879923.1).

ClinVar aggregate classification (germline): VUS-low (0 of 4 stars; one submission).

Conditions:
Autosomal recessive nonsyndromic hearing loss 9. Also called: NEUROSENSORY NONSYNDROMIC RECESSIVE DEAFNESS 9; OTOF-Related Hearing Loss; Deafness, autosomal recessive 9; AUDITORY NEUROPATHY, AUTOSOMAL RECESSIVE, 1, TEMPERATURE-SENSITIVE. Identifiers: Orphanet 90636, MedGen C1832828, MONDO:0010986, OMIM 601071.

Submission:

Diagnosis and Treatment Center of Genetic Hearing Loss, Eye & ENT Hospital of Fudan University
Classification: VUS-low for Autosomal recessive nonsyndromic hearing loss 9. Last evaluated: 2026-02-04. Review status: no assertion criteria provided. Collection method: clinical testing. Allele origin: germline. Inheritance: Autosomal recessive inheritance. Affected: yes.
Comment: The c.4850C>G missense variant in OTOF is absent from population databases (PM2_Supporting). The phenotype is consistent with auditory neuropathy (PP4). The REVEL score is 0.065 (BP4_Moderate).